The following is an entry in ClinVar:

NM_000264.5(PTCH1):c.2279T>C (p.Leu760Ser)

Genes: PTCH1 (patched 1; minus strand), LOC100507346 (uncharacterized LOC100507346; plus strand). Cytogenetic location: 9q22.32.
Variant type: single nucleotide variant.
Coding change: c.2279T>C on transcript NM_000264.5 (MANE Select); coding-DNA position 2279, T replaced by C.
Protein change: p.Leu760Ser; replaces leucine 760 with serine.
Molecular consequence: missense variant. On other transcripts: non-coding transcript variant (1).
Genome position (GRCh38, 1-based): chr9:95,467,397, A>G on the plus strand (T>C on the coding strand, the complement: PTCH1 is on the minus strand). VCF-style: chr9-95467397-A-G. GRCh37 (hg19) VCF-style: chr9-98229679-A-G.
Other names: c.2081T>C, p.Leu694Ser (NM_001083602.3); c.2276T>C, p.Leu759Ser (NM_001083603.3); c.1826T>C, p.Leu609Ser (NM_001083604.3, NM_001083605.3, NM_001083606.3 and 1 more transcripts); c.2123T>C, p.Leu708Ser (NM_001354918.2); short protein forms L609S, L760S, L708S, L759S, L694S.
Identifiers: ClinVar variation 3939995 (VCV003939995.1).

ClinVar aggregate classification (germline): Uncertain significance (1 of 4 stars; one submission).

Conditions:
Hereditary cancer-predisposing syndrome. Also called: Tumor predisposition; Hereditary neoplastic syndrome; Hereditary Cancer Syndrome; Neoplastic Syndromes, Hereditary. Identifiers: Orphanet 140162, MedGen C0027672, MeSH D009386, MONDO:0015356.

Submission:

Ambry Genetics
Classification: Uncertain significance for Hereditary cancer-predisposing syndrome. Last evaluated: 2025-06-13. Review status: criteria provided, single submitter. Criteria: Ambry Variant Classification Scheme 2023. Collection method: clinical testing. Allele origin: germline.
Comment: The p.L760S variant (also known as c.2279T>C), located in coding exon 15 of the PTCH1 gene, results from a T to C substitution at nucleotide position 2279. The leucine at codon 760 is replaced by serine, an amino acid with dissimilar properties. This amino acid position is conserved. In addition, this alteration is predicted to be deleterious by in silico analysis. Based on the available evidence, the clinical significance of this variant remains unclear.